The following is an entry in ClinVar:

NM_004006.3(DMD):c.8702C>T (p.Thr2901Ile)

Gene: DMD (dystrophin; minus strand). Cytogenetic location: Xp21.2.
Variant type: single nucleotide variant.
Coding change: c.8702C>T on transcript NM_004006.3 (MANE Select); coding-DNA position 8702, C replaced by T.
Protein change: p.Thr2901Ile; replaces threonine 2901 with isoleucine.
Molecular consequence: missense variant.
Genome position (GRCh38, 1-based): chrX:31,478,341, G>A on the plus strand (C>T on the coding strand, the complement: DMD is on the minus strand). VCF-style: chrX-31478341-G-A. GRCh37 (hg19) VCF-style: chrX-31496458-G-A.
Other names: c.8678C>T, p.Thr2893Ile (NM_000109.4); c.8690C>T, p.Thr2897Ile (NM_004009.3); c.8333C>T, p.Thr2778Ile (NM_004010.3); c.4679C>T, p.Thr1560Ile (NM_004011.4); c.4670C>T, p.Thr1557Ile (NM_004012.4); c.1322C>T, p.Thr441Ile (NM_004013.3, NM_004020.4, NM_004021.3 and 2 more transcripts); c.515C>T, p.Thr172Ile (NM_004014.3); short protein forms T2893I, T2897I, T2901I, T441I, T1560I, T172I, T1557I, T2778I.
Identifiers: ClinVar variation 2966430 (VCV002966430.3), dbSNP rs2067975834, ClinGen allele CA412654340.

ClinVar aggregate classification (germline): Uncertain significance (1 of 4 stars; one submission).

Conditions:
Duchenne muscular dystrophy (DMD). Also called: MUSCULAR DYSTROPHY, PSEUDOHYPERTROPHIC PROGRESSIVE, DUCHENNE TYPE; Duchenne Muscular Dystrophy (DMD). Identifiers: Orphanet 98896, MedGen C0013264, MONDO:0010679, OMIM 310200.

Submission:

Labcorp Genetics (formerly Invitae), Labcorp
Classification: Uncertain significance for Duchenne muscular dystrophy. Last evaluated: 2023-04-25. Review status: criteria provided, single submitter. Criteria: Invitae Variant Classification Sherloc (09022015). Collection method: clinical testing. Allele origin: germline.
Comment: In summary, the available evidence is currently insufficient to determine the role of this variant in disease. Therefore, it has been classified as a Variant of Uncertain Significance. Advanced modeling of protein sequence and biophysical properties (such as structural, functional, and spatial information, amino acid conservation, physicochemical variation, residue mobility, and thermodynamic stability) performed at Invitae indicates that this missense variant is not expected to disrupt DMD protein function. This variant has not been reported in the literature in individuals affected with DMD-related conditions. This variant is not present in population databases (gnomAD no frequency). This sequence change replaces threonine, which is neutral and polar, with isoleucine, which is neutral and non-polar, at codon 2901 of the DMD protein (p.Thr2901Ile).